The following is an entry in ClinVar:

ClinVar aggregate classification (germline): Pathogenic/Likely pathogenic. Review status: criteria provided, multiple submitters, no conflicts (2 of 4 stars). 2 submissions from 2 submitters: Pathogenic (1); Likely pathogenic (1). Last evaluated 2025-10-02.

Conditions:
Atypical hemolytic-uremic syndrome. Identifiers: Orphanet 2134, MedGen C2931788, MONDO:0016244.
CFH-related disorder. Also called: CFH-related condition; CFH-related disorders.

Submissions (2):

Genomenon, Inc
Classification: Pathogenic for Atypical hemolytic-uremic syndrome. Last evaluated: 2025-10-02. Review status: criteria provided, single submitter. Criteria: Genomenon Sequence Variant Interpretation Standards - Updated. Collection method: curation. Allele origin: germline. Affected: yes.
Comment: CFH p.Phe960LeufsTer15 (c.2880del) is a frameshift variant that results in the production of a truncated protein which is predicted to undergo nonsense-mediated mRNA decay. This variant has been observed in at least one proband affected with atypical hemolytic-uremic syndrome (PMID:23870792;29500241). It is absent or not present at a significant frequency in gnomAD. In conclusion, we classify CFH p.Phe960LeufsTer15 (c.2880del) as a pathogenic variant.

Blueprint Genetics
Classification: Likely pathogenic for CFH-related disorders. Last evaluated: 2020-02-06. Review status: criteria provided, single submitter. Criteria: ACMG Guidelines, 2015. Collection method: clinical testing. Allele origin: germline. Affected: yes. Observed: 1 variant allele.

Literature cited by the submitters: PubMed 23870792 (cited by Genomenon, Inc); PubMed 29500241 (cited by Genomenon, Inc).

NM_000186.4(CFH):c.2880del (p.Phe960fs)

Gene: CFH (complement factor H; plus strand). Cytogenetic location: 1q31.3.
Variant type: Deletion.
Coding change: c.2880del on transcript NM_000186.4 (MANE Select); coding-DNA position 2880, one base deleted (T; older notation c.2880delT).
Protein change: p.Phe960fs; shifts the reading frame from phenylalanine 960.
Molecular consequence: frameshift variant.
Genome position (GRCh38, 1-based): chr1:196,740,716, T deleted; the last of 4 consecutive T bases (chr1:196,740,713-196,740,716); deleting any one gives the same sequence. VCF-style (leftmost placement, unchanged base first): chr1-196740712-GT-G. GRCh37 (hg19) VCF-style: chr1-196709842-GT-G.
Other names: short protein forms F960fs.
Identifiers: ClinVar variation 4291518 (VCV004291518.2).